The following is an entry in ClinVar:

NM_001375834.1(WIPF1):c.560T>C (p.Val187Ala)

Gene: WIPF1 (WAS/WASL interacting protein family member 1; minus strand). Cytogenetic location: 2q31.1.
Variant type: single nucleotide variant.
Coding change: c.560T>C on transcript NM_001375834.1 (MANE Select); coding-DNA position 560, T replaced by C.
Protein change: p.Val187Ala; replaces valine 187 with alanine.
Molecular consequence: missense variant.
Genome position (GRCh38, 1-based): chr2:174,572,245, A>G on the plus strand (T>C on the coding strand, the complement: WIPF1 is on the minus strand). VCF-style: chr2-174572245-A-G. GRCh37 (hg19) VCF-style: chr2-175436973-A-G.
Other names: c.560T>C, p.Val187Ala (NM_001077269.1, NM_001375832.1, NM_001375833.1 and 5 more transcripts); c.182T>C, p.Ile61Thr (NM_001375839.1); short protein forms V187A, I61T.
Identifiers: ClinVar variation 2068000 (VCV002068000.3), dbSNP rs767657873, ClinGen allele CA1974105.

ClinVar aggregate classification (germline): Uncertain significance. Review status: criteria provided, multiple submitters, no conflicts (2 of 4 stars). 2 submissions from 2 submitters: Uncertain significance (2). Last evaluated 2025-08-02.

Conditions:
Inborn genetic diseases. Identifiers: MedGen C0950123, MeSH D030342.
Wiskott-Aldrich syndrome 2 (WAS2). Also called: WIPF1 DEFICIENCY. Identifiers: Orphanet 906, MedGen C3281001, MONDO:0013779, OMIM 614493.

Allele frequency attached by ClinVar (database versions not stated): TOPMed 0.00006; gnomAD 0.00007; ExAC 0.00001; gnomAD exomes 0.00001.
gnomAD v4.1: 21 of 1,613,952 alleles (0.0013%); highest among the groups gnomAD compares: African/African-American, 0.025%; no homozygotes.

Submissions (2):

Ambry Genetics
Classification: Uncertain significance for Inborn genetic diseases. Last evaluated: 2025-08-02. Review status: criteria provided, single submitter. Criteria: Ambry Variant Classification Scheme 2023. Collection method: clinical testing. Allele origin: germline.

Labcorp Genetics (formerly Invitae), Labcorp
Classification: Uncertain significance for Wiskott-Aldrich syndrome 2. Last evaluated: 2023-07-17. Review status: criteria provided, single submitter. Criteria: Invitae Variant Classification Sherloc (09022015). Collection method: clinical testing. Allele origin: germline.
Comment: This sequence change replaces valine, which is neutral and non-polar, with alanine, which is neutral and non-polar, at codon 187 of the WIPF1 protein (p.Val187Ala). This variant is present in population databases (rs767657873, gnomAD 0.008%). This variant has not been reported in the literature in individuals affected with WIPF1-related conditions. ClinVar contains an entry for this variant (Variation ID: 2068000). An algorithm developed to predict the effect of missense changes on protein structure and function (PolyPhen-2) suggests that this variant¬†is likely to be tolerated. In summary, the available evidence is currently insufficient to determine the role of this variant in disease. Therefore, it has been classified as a Variant of Uncertain Significance.